The following is an entry in ClinVar:

NM_000426.4(LAMA2):c.1322C>T (p.Ser441Phe)

Gene: LAMA2 (laminin subunit alpha 2; plus strand). Cytogenetic location: 6q22.33.
Variant type: single nucleotide variant.
Coding change: c.1322C>T on transcript NM_000426.4 (MANE Select); coding-DNA position 1322, C replaced by T.
Protein change: p.Ser441Phe; replaces serine 441 with phenylalanine.
Molecular consequence: missense variant.
Genome position (GRCh38, 1-based): chr6:129,177,721, C>T. VCF-style: chr6-129177721-C-T. GRCh37 (hg19) VCF-style: chr6-129498866-C-T.
Other names: c.1322C>T, p.Ser441Phe (NM_001079823.2); short protein forms S441F.
Identifiers: ClinVar variation 1038055 (VCV001038055.9), dbSNP rs1044169994, ClinGen allele CA365607417.
Genomic context (GRCh38, chr6:129,177,721, plus strand): 5'-TGTACTTGTTTTAGAAATGTTGATATGTGGCTCATCTTTCTTTAGGTTTGGCACCTGGAT[C>T]CTGTCATTGCAAAACTGGTTTTGGAGGTGTGAGCTGTGATCGGTGTGCCAGGGGCTACAC-3'
Protein context (NP_000417.3, residues 431-451): KHARRGLAPG[Ser441Phe]CHCKTGFGGV

ClinVar aggregate classification (germline): Uncertain significance (1 of 4 stars; one submission).

Conditions:
LAMA2-related muscular dystrophy (LAMA2-RD). Also called: Laminin alpha 2-related dystrophy. Identifiers: MedGen C5679788, MONDO:0100228.

Submission:

Labcorp Genetics (formerly Invitae), Labcorp
Classification: Uncertain significance for LAMA2-related muscular dystrophy. Last evaluated: 2022-02-02. Review status: criteria provided, single submitter. Criteria: Invitae Variant Classification Sherloc (09022015). Collection method: clinical testing. Allele origin: germline.
Comment: In summary, the available evidence is currently insufficient to determine the role of this variant in disease. Therefore, it has been classified as a Variant of Uncertain Significance. Advanced modeling of protein sequence and biophysical properties (such as structural, functional, and spatial information, amino acid conservation, physicochemical variation, residue mobility, and thermodynamic stability) performed at Invitae indicates that this missense variant is not expected to disrupt LAMA2 protein function. ClinVar contains an entry for this variant (Variation ID: 1038055). This variant has not been reported in the literature in individuals affected with LAMA2-related conditions. This variant is not present in population databases (gnomAD no frequency). This sequence change replaces serine, which is neutral and polar, with phenylalanine, which is neutral and non-polar, at codon 441 of the LAMA2 protein (p.Ser441Phe).